The following is an entry in ClinVar:

ClinVar aggregate classification (germline): Uncertain significance (1 of 4 stars; one submission).

gnomAD v4.1: 5 of 1,455,604 alleles (0.00034%); highest among the groups gnomAD compares: Non-Finnish European, 0.00045%; no homozygotes.

Submission:

Labcorp Genetics (formerly Invitae), Labcorp
Classification: Uncertain significance. Last evaluated: 2026-02-03. Review status: criteria provided, single submitter. Criteria: Invitae Variant Classification Sherloc (09022015). Collection method: clinical testing. Allele origin: germline.
Comment: This sequence change replaces alanine, which is neutral and non-polar, with serine, which is neutral and polar, at codon 99 of the TRIM28 protein (p.Ala99Ser). This variant is not present in population databases (gnomAD no frequency). This variant has not been reported in the literature in individuals affected with TRIM28-related conditions. An algorithm developed to predict the effect of missense changes on protein structure and function outputs the following: PolyPhen-2: "Not Available". The serine amino acid residue is found in multiple mammalian species, which suggests that this missense change does not adversely affect protein function. In summary, the available evidence is currently insufficient to determine the role of this variant in disease. Therefore, it has been classified as a Variant of Uncertain Significance.

NM_005762.3(TRIM28):c.295G>T (p.Ala99Ser)

Genes: TRIM28 (tripartite motif containing 28; plus strand), LOC130065239 (ATAC-STARR-seq lymphoblastoid silent region 11093; plus strand). Cytogenetic location: 19q13.43.
Variant type: single nucleotide variant.
Coding change: c.295G>T on transcript NM_005762.3 (MANE Select); coding-DNA position 295, G replaced by T.
Protein change: p.Ala99Ser; replaces alanine 99 with serine.
Molecular consequence: missense variant.
Genome position (GRCh38, 1-based): chr19:58,545,052, G>T. VCF-style: chr19-58545052-G-T. GRCh37 (hg19) VCF-style: chr19-59056419-G-T.
Other names: short protein forms A99S.
Identifiers: ClinVar variation 4799439 (VCV004799439.1).